The following is an entry in ClinVar:

ClinVar aggregate classification (germline): Uncertain significance (1 of 4 stars; one submission).

Submission:

Labcorp Genetics (formerly Invitae), Labcorp
Classification: Uncertain significance. Last evaluated: 2021-02-12. Review status: criteria provided, single submitter. Criteria: Invitae Variant Classification Sherloc (09022015). Collection method: clinical testing. Allele origin: germline.
Comment: In summary, the available evidence is currently insufficient to determine the role of this variant in disease. Therefore, it has been classified as a Variant of Uncertain Significance. Algorithms developed to predict the effect of missense changes on protein structure and function (SIFT, PolyPhen-2, Align-GVGD) all suggest that this variant is likely to be tolerated, but these predictions have not been confirmed by published functional studies and their clinical significance is uncertain. This variant has not been reported in the literature in individuals with NKX2-1-related conditions. This variant is not present in population databases (ExAC no frequency). This sequence change replaces valine with leucine at codon 88 of the NKX2-1 protein (p.Val88Leu). The valine residue is moderately conserved and there is a small physicochemical difference between valine and leucine.

NM_001079668.3(NKX2-1):c.262G>C (p.Val88Leu)

Genes: NKX2-1 (NK2 homeobox 1; minus strand), SFTA3 (surfactant associated 3; minus strand). Cytogenetic location: 14q13.3.
Variant type: single nucleotide variant.
Coding change: c.262G>C on transcript NM_001079668.3 (MANE Select); coding-DNA position 262, G replaced by C.
Protein change: p.Val88Leu; replaces valine 88 with leucine.
Molecular consequence: missense variant.
Genome position (GRCh38, 1-based): chr14:36,519,186, C>G on the plus strand (G>C on the coding strand, the complement: NKX2-1 is on the minus strand). VCF-style: chr14-36519186-C-G. GRCh37 (hg19) VCF-style: chr14-36988391-C-G.
Other names: c.172G>C, p.Val58Leu (NM_003317.4); short protein forms V88L, V58L.
Identifiers: ClinVar variation 1520511 (VCV001520511.8), dbSNP rs1332287438, ClinGen allele CA389461048.